The following is an entry in ClinVar:

ClinVar aggregate classification (germline): Likely benign (1 of 4 stars; one submission).

Submission:

CeGaT Center for Human Genetics Tuebingen
Classification: Likely benign. Last evaluated: 2026-05-01. Review status: criteria provided, single submitter. Criteria: CeGaT Center For Human Genetics Tuebingen Variant Classification Criteria Version 2. Collection method: clinical testing. Allele origin: germline. Affected: yes. Observed: 1 variant allele.
Comment: TRIM55: PM2:Supporting, BP4, BP7

NM_184085.2(TRIM55):c.1191G>A (p.Glu397=)

Gene: TRIM55 (tripartite motif containing 55; plus strand). Cytogenetic location: 8q13.1.
Variant type: single nucleotide variant.
Coding change: c.1191G>A on transcript NM_184085.2 (MANE Select); coding-DNA position 1191, G replaced by A.
Protein change: p.Glu397=; no amino-acid change (glutamic acid 397 retained).
Molecular consequence: synonymous variant. On other transcripts: intron variant (1).
Genome position (GRCh38, 1-based): chr8:66,152,582, G>A. VCF-style: chr8-66152582-G-A. GRCh37 (hg19) VCF-style: chr8-67064817-G-A.
Other names: c.1191G>A, p.Glu397= (NM_033058.3, NM_184086.2); c.603+15392G>A (NM_184087.2).
Identifiers: ClinVar variation 4875143 (VCV004875143.2).